The following is an entry in ClinVar:

NM_000053.4(ATP7B):c.236G>A (p.Arg79Lys)

Gene: ATP7B (ATPase copper transporting beta; minus strand). Cytogenetic location: 13q14.3.
Variant type: single nucleotide variant.
Coding change: c.236G>A on transcript NM_000053.4 (MANE Select); coding-DNA position 236, G replaced by A.
Protein change: p.Arg79Lys; replaces arginine 79 with lysine.
Molecular consequence: missense variant.
Genome position (GRCh38, 1-based): chr13:51,974,984, C>T on the plus strand (G>A on the coding strand, the complement: ATP7B is on the minus strand). VCF-style: chr13-51974984-C-T. GRCh37 (hg19) VCF-style: chr13-52549120-C-T.
Other names: c.236G>A, p.Arg79Lys (NM_001406540.1, NM_001406541.1, NM_001406542.1 and 30 more transcripts); c.140G>A, p.Arg47Lys (NM_001406543.1, NM_001406544.1, NM_001406518.1 and 4 more transcripts); short protein forms R47K, R79K.
Identifiers: ClinVar variation 1806050 (VCV001806050.8), dbSNP rs375470066, ClinGen allele CA250067779.
Genomic context (GRCh38, chr13:51,974,984, plus strand): 5'-GTGGCACTGCCTTGTTCCAGGGAAACCTTCATGCTGATGATGCCTTTCAAATTGGAAATC[C>T]TGTCCTCAATGGACTTCACACATGACTGGCAAGTCATGCCCAAGATCCTGACTGTGCTGG-3'
Protein context (NP_000044.2, residues 69-89): CQSCVKSIED[Arg79Lys]ISNLKGIISM

ClinVar aggregate classification (germline): Conflicting classifications of pathogenicity. Review status: criteria provided, conflicting classifications (1 of 4 stars). 4 submissions from 4 submitters: Uncertain significance (3); Likely benign (1). Last evaluated 2025-07-08.

Conditions:
Wilson disease (WND). Also called: Wilson's disease. Identifiers: Orphanet 905, MedGen C0019202, MONDO:0010200, OMIM 277900. Disease mechanism: loss of function.

Allele frequency attached by ClinVar (database versions not stated): TOPMed below 0.00001; gnomAD exomes 0.00002; ESP Exome Variant Server 0.00008.
gnomAD v4.1: 24 of 1,614,204 alleles (0.0015%); highest among the groups gnomAD compares: Non-Finnish European, 0.0019%; no homozygotes.

Submissions (4):

Color Diagnostics, LLC DBA Color Health
Classification: Likely benign for Wilson disease. Last evaluated: 2025-07-08. Review status: criteria provided, single submitter. Criteria: ACMG Guidelines, 2015. Collection method: clinical testing. Allele origin: germline.

All of Us Research Program, National Institutes of Health
Classification: Uncertain significance for Wilson disease. Last evaluated: 2024-07-20. Review status: criteria provided, single submitter. Criteria: ACMG Guidelines, 2015. Collection method: clinical testing. Allele origin: germline. Inheritance: Autosomal recessive inheritance. Observed: 3 variant alleles, 3 heterozygotes.
Comment: This missense variant replaces arginine with lysine at codon 79 of the ATP7B protein. Computational prediction suggests that this variant may not impact protein structure and function (internally defined REVEL score threshold <= 0.5, PMID: 27666373). To our knowledge, functional studies have not been reported for this variant. This variant has not been reported in individuals affected with ATP7B-related disorders in the literature. This variant has been identified in 2/249170 chromosomes in the general population by the Genome Aggregation Database (gnomAD). The available evidence is insufficient to determine the role of this variant in disease conclusively. Therefore, this variant is classified as a Variant of Uncertain Significance.

This study involves interpretation of variants in research participants for the purpose of population health screening. Participant phenotype was not available at the time of variant classification. Additional details can be found in publication PMID: 35346344, PMCID: PMC8962531

Labcorp Genetics (formerly Invitae), Labcorp
Classification: Uncertain significance for Wilson disease. Last evaluated: 2022-07-31. Review status: criteria provided, single submitter. Criteria: Invitae Variant Classification Sherloc (09022015). Collection method: clinical testing. Allele origin: germline.
Comment: This sequence change replaces arginine, which is basic and polar, with lysine, which is basic and polar, at codon 79 of the ATP7B protein (p.Arg79Lys). This variant is present in population databases (rs375470066, gnomAD 0.002%). This variant has not been reported in the literature in individuals affected with ATP7B-related conditions. Advanced modeling of protein sequence and biophysical properties (such as structural, functional, and spatial information, amino acid conservation, physicochemical variation, residue mobility, and thermodynamic stability) performed at Invitae indicates that this missense variant is not expected to disrupt ATP7B protein function. In summary, the available evidence is currently insufficient to determine the role of this variant in disease. Therefore, it has been classified as a Variant of Uncertain Significance.

Victorian Clinical Genetics Services, Murdoch Childrens Research Institute
Classification: Uncertain significance for Wilson disease. Last evaluated: 2020-05-21. Review status: criteria provided, single submitter. Criteria: ACMG Guidelines, 2015. Collection method: clinical testing. Allele origin: germline. Inheritance: Autosomal recessive inheritance. Affected: yes.
Comment: Based on the classification scheme VCGS_Germline_v1.1.1, this variant is classified as VUS – 3C. Following criteria are met: 0102 - Loss-of-function is a known mechanism of disease for this gene. (N) 0106 - This gene is known to be associated with autosomal recessive disease. (N) 0112 - Variants in this gene are known to have reduced penetrance. (N) 0200 - Variant is predicted to result in a missense amino acid change from arginine to lysine (exon 2). (N) 0251 - Variant is heterozygous. (N) 0304 - Variant is present in gnomAD <0.01 for a recessive condition (2 Heterozygotes, 0 Homozygotes). (P) 0309 - An alternative amino acid change at the same position has been observed in gnomAD (1 Heterozygotes, 0 Homozygotes). (N) 0503 - Missense variant consistently predicted to be tolerated or not conserved in mammals with a minor amino acid change. (B) 0600 - Variant is located in an annotated domain or motif (PDB, NCBI). (N) 0705 - No comparable variants have previous evidence for pathogenicity. (N) 0807 - Variant has not previously been reported in a clinical context. (N) 0905 - No segregation evidence has been identified for this variant. (N) 1007 - No published functional evidence has been identified for this variant. (N) 1208 - Inheritance information for this variant is not currently available. (N) Legend: (P) - Pathogenic, (N) - Neutral, (B) - Benign